The following is an entry in ClinVar:

NM_000834.5(GRIN2B):c.2404C>T (p.His802Tyr)

Gene: GRIN2B (glutamate ionotropic receptor NMDA type subunit 2B; minus strand). Cytogenetic location: 12p13.1.
Variant type: single nucleotide variant.
Coding change: c.2404C>T on transcript NM_000834.5 (MANE Select); coding-DNA position 2404, C replaced by T.
Protein change: p.His802Tyr; replaces histidine 802 with tyrosine.
Molecular consequence: missense variant.
Genome position (GRCh38, 1-based): chr12:13,567,219, G>A on the plus strand (C>T on the coding strand, the complement: GRIN2B is on the minus strand). VCF-style: chr12-13567219-G-A. GRCh37 (hg19) VCF-style: chr12-13720153-G-A.
Other names: c.2404C>T, p.His802Tyr (NM_001413992.1); short protein forms H802Y.
Identifiers: ClinVar variation 3758918 (VCV003758918.2).
Genomic context (GRCh38, chr12:13,567,219, plus strand): 5'-AGACCCCTGCCATGTTGTCAATGTCCAGCTGGCTGCTCATGACCTCATTCTTCTCATTGT[G>A]ACAAATGCCAGTGAGCCAGAGAGCTTCCAGTTCTTCCATCTCCCCTGGGGAAAGGACAGA-3'
Protein context (NP_000825.2, residues 792-812): LEALWLTGIC[His802Tyr]NEKNEVMSSQ

ClinVar aggregate classification (germline): Uncertain significance (1 of 4 stars; one submission).

Conditions:
Developmental and epileptic encephalopathy, 27 (DEE27). Also called: Epileptic encephalopathy, early infantile, 27; GRIN2B-Related Neurodevelopmental Disorder. Identifiers: Orphanet 3451, MedGen C4015316, MONDO:0014505, OMIM 616139.
Intellectual developmental disorder, autosomal dominant 6, with or without seizures. Also called: Intellectual disability, autosomal dominant 6; GRIN2B-related developmental delay, intellectual disability and autism spectrum disorder. Identifiers: Orphanet 589547, MedGen C3151411, MONDO:0013509, OMIM 613970.

Submission:

Labcorp Genetics (formerly Invitae), Labcorp
Classification: Uncertain significance for Developmental and epileptic encephalopathy, 27; Intellectual developmental disorder, autosomal dominant 6, with or without seizures. Last evaluated: 2025-01-17. Review status: criteria provided, single submitter. Criteria: Invitae Variant Classification Sherloc (09022015). Collection method: clinical testing. Allele origin: germline.
Comment: This sequence change replaces histidine, which is basic and polar, with tyrosine, which is neutral and polar, at codon 802 of the GRIN2B protein (p.His802Tyr). This variant is not present in population databases (gnomAD no frequency). This variant has not been reported in the literature in individuals affected with GRIN2B-related conditions. Invitae Evidence Modeling of protein sequence and biophysical properties (such as structural, functional, and spatial information, amino acid conservation, physicochemical variation, residue mobility, and thermodynamic stability) has been performed for this missense variant. However, the output from this modeling did not meet the statistical confidence thresholds required to predict the impact of this variant on GRIN2B protein function. In summary, the available evidence is currently insufficient to determine the role of this variant in disease. Therefore, it has been classified as a Variant of Uncertain Significance.